The following is an entry in ClinVar:

ClinVar aggregate classification (germline): Likely pathogenic (1 of 4 stars; one submission).

Submission:

Labcorp Genetics (formerly Invitae), Labcorp
Classification: Likely pathogenic. Last evaluated: 2023-12-30. Review status: criteria provided, single submitter. Criteria: Invitae Variant Classification Sherloc (09022015). Collection method: clinical testing. Allele origin: germline.
Comment: This sequence change replaces proline, which is neutral and non-polar, with threonine, which is neutral and polar, at codon 163 of the CNGA3 protein (p.Pro163Thr). This variant is not present in population databases (gnomAD no frequency). This variant has not been reported in the literature in individuals affected with CNGA3-related conditions. Advanced modeling of protein sequence and biophysical properties (such as structural, functional, and spatial information, amino acid conservation, physicochemical variation, residue mobility, and thermodynamic stability) performed at Invitae indicates that this missense variant is expected to disrupt CNGA3 protein function with a positive predictive value of 95%. This variant disrupts the p.Pro163 amino acid residue in CNGA3. Other variant(s) that disrupt this residue have been determined to be pathogenic (PMID: 9662398, 17693388, 23105016). This suggests that this residue is clinically significant, and that variants that disrupt this residue are likely to be disease-causing. In summary, the currently available evidence indicates that the variant is pathogenic, but additional data are needed to prove that conclusively. Therefore, this variant has been classified as Likely Pathogenic.

Literature cited by the submitters: PubMed 9662398; PubMed 17693388; PubMed 23105016.

NM_001298.3(CNGA3):c.487C>A (p.Pro163Thr)

Gene: CNGA3 (cyclic nucleotide gated channel subunit alpha 3; plus strand). Cytogenetic location: 2q11.2.
Variant type: single nucleotide variant.
Coding change: c.487C>A on transcript NM_001298.3 (MANE Select); coding-DNA position 487, C replaced by A.
Protein change: p.Pro163Thr; replaces proline 163 with threonine.
Molecular consequence: missense variant.
Genome position (GRCh38, 1-based): chr2:98,389,695, C>A. VCF-style: chr2-98389695-C-A. GRCh37 (hg19) VCF-style: chr2-99006158-C-A.
Other names: c.433C>A, p.Pro145Thr (NM_001079878.2); short protein forms P163T, P145T.
Identifiers: ClinVar variation 2706689 (VCV002706689.3), dbSNP rs2467010443, ClinGen allele CA347831489.
Genomic context (GRCh38, chr2:98,389,695, plus strand): 5'-TTTGTGTATGTGTGGGTTTCCAGGAAGAAGACGAAAAAGAAGGATGCGATCGTGGTGGAC[C>A]CGTCCAGCAACCTGTACTACCGCTGGCTGACCGCCATCGCCCTGCCTGTCTTCTATAACT-3'
Protein context (NP_001289.1, residues 153-173): TKKKDAIVVD[Pro163Thr]SSNLYYRWLT